The following is an entry in ClinVar:

ClinVar aggregate classification (germline): Benign/Likely benign. Review status: criteria provided, multiple submitters, no conflicts (2 of 4 stars). 7 submissions from 7 submitters: Benign (1); Likely benign (6). Last evaluated 2025-12-24.

Conditions:
Wolfram syndrome 1 (WFS1). Identifiers: Orphanet 3463, MedGen C4551693, MONDO:0009101, OMIM 222300.
Cataract 41 (CTRCT41). Also called: CATARACT 41, CONGENITAL NUCLEAR TYPE. Identifiers: Orphanet 91492, Orphanet 98991, Orphanet 98992, Orphanet 98995, MedGen C3805412, MONDO:0007287, OMIM 116400.
Wolfram-like syndrome. Also called: HEARING LOSS, PROGRESSIVE, WITH OPTIC ATROPHY AND/OR IMPAIRED GLUCOSE REGULATION. Identifiers: Orphanet 411590, MedGen C3280358, MONDO:0013673, OMIM 614296.
Type 2 diabetes mellitus. Also called: Type II diabetes mellitus. Identifiers: MedGen C0011860, MeSH D003924, MONDO:0005148, OMIM 125853, HP:0005978.
Autosomal dominant nonsyndromic hearing loss 6 (LFSNHL). Also called: DEAFNESS, AUTOSOMAL DOMINANT 14; DEAFNESS, AUTOSOMAL DOMINANT 38; Autosomal dominant nonsyndromic deafness 6; DEAFNESS, AUTOSOMAL DOMINANT 6. Identifiers: Orphanet 90635, MedGen C1833021, MONDO:0010963, OMIM 600965.

Allele frequency attached by ClinVar (database versions not stated): gnomAD 0.00003; ESP Exome Variant Server 0.00015; TOPMed 0.00016; 1000 Genomes Project 0.00060; 1000 Genomes Project 30x 0.00062.
gnomAD v4.1: 152 of 1,611,620 alleles (0.0094%); highest among the groups gnomAD compares: Middle Eastern, 0.21%; no homozygotes.

Submissions (7):

Labcorp Genetics (formerly Invitae), Labcorp
Classification: Likely benign. Last evaluated: 2025-12-24. Review status: criteria provided, single submitter. Criteria: Invitae Variant Classification Sherloc (09022015). Collection method: clinical testing. Allele origin: germline.

Mayo Clinic Laboratories, Mayo Clinic
Classification: Likely benign. Last evaluated: 2025-03-26. Review status: criteria provided, single submitter. Criteria: ACMG Guidelines, 2015. Collection method: clinical testing. Allele origin: germline. Observed: 1 variant allele.
Comment: BP4, BP7

Blueprint Genetics
Classification: Likely benign. Last evaluated: 2023-05-16. Review status: criteria provided, single submitter. Criteria: ACMG Guidelines, 2015. Collection method: clinical testing. Allele origin: germline.

Fulgent Genetics
Classification: Likely benign for Cataract 41; Type 2 diabetes mellitus; Wolfram syndrome 1; Autosomal dominant nonsyndromic hearing loss 6; Wolfram-like syndrome. Last evaluated: 2022-01-03. Review status: criteria provided, single submitter. Criteria: ACMG Guidelines, 2015. Collection method: clinical testing. Allele origin: unknown.

GeneDx
Classification: Likely benign. Last evaluated: 2020-12-02. Review status: criteria provided, single submitter. Criteria: GeneDx Variant Classification Process June 2021. Collection method: clinical testing. Allele origin: germline. Affected: yes.

Laboratory for Molecular Medicine, Mass General Brigham Personalized Medicine
Classification: Likely benign. Last evaluated: 2012-04-30. Review status: criteria provided, single submitter. Criteria: LMM Criteria. Collection method: clinical testing. Allele origin: germline. Observed: 2 variant alleles.
Comment: Ile802Ile in Exon 08 of WFS1: This variant is not expected to have clinical sign ificance because it does not alter an amino acid residue, is not located within the splice consensus sequence, and has been identified in 2/7018 European Americ an chromosomes from a broad population by the NHLBI Exome Sequencing Project.

Clinical Genomics, Uppaluri K&H Personalized Medicine Clinic
Classification: Benign for Wolfram syndrome 1. Review status: criteria provided, single submitter. Criteria: K & H Uppaluri Personalized Medicine Clinic Variant Classification & Assertion Criteria_Updated V.1. Collection method: research. Allele origin: unknown. Inheritance: Autosomal recessive inheritance.
Comment: Potent mutations in WFS1 gene are associated with Wolfram's syndrome, an autosomal recessive condition, which cause diabetes mellitus, diabetes insipidus, deafness and optic atrophy. However no sufficient evidence is found to ascertain the role of this particular variant rs201102144 in Wolfram's syndrome yet.

Literature cited by the submitters: PubMed 20738327 (cited by Clinical Genomics, Uppaluri K&H Personalized Medicine Clinic); PubMed 33879153 (cited by Clinical Genomics, Uppaluri K&H Personalized Medicine Clinic); PubMed 12955714 (cited by Clinical Genomics, Uppaluri K&H Personalized Medicine Clinic); PubMed 18060660 (cited by Clinical Genomics, Uppaluri K&H Personalized Medicine Clinic); PubMed 20301750 (cited by Clinical Genomics, Uppaluri K&H Personalized Medicine Clinic); PubMed 17603484 (cited by Clinical Genomics, Uppaluri K&H Personalized Medicine Clinic).

NM_006005.3(WFS1):c.2406C>T (p.Ile802=)

Gene: WFS1 (wolframin ER transmembrane glycoprotein; plus strand). Cytogenetic location: 4p16.1.
Variant type: single nucleotide variant.
Coding change: c.2406C>T on transcript NM_006005.3 (MANE Select); coding-DNA position 2406, C replaced by T.
Protein change: p.Ile802=; no amino-acid change (isoleucine 802 retained).
Molecular consequence: synonymous variant.
Genome position (GRCh38, 1-based): chr4:6,302,201, C>T. VCF-style: chr4-6302201-C-T. GRCh37 (hg19) VCF-style: chr4-6303928-C-T.
Other names: p.Ile802=; c.2406C>T, p.Ile802= (NM_001145853.1).
Identifiers: ClinVar variation 166607 (VCV000166607.20), dbSNP rs201102144, ClinGen allele CA179677.